The following is an entry in ClinVar:

NM_004738.5(VAPB):c.110A>C (p.Asp37Ala)

Gene: VAPB (VAMP associated protein B and C; plus strand). Cytogenetic location: 20q13.32.
Variant type: single nucleotide variant.
Coding change: c.110A>C on transcript NM_004738.5 (MANE Select); coding-DNA position 110, A replaced by C.
Protein change: p.Asp37Ala; replaces aspartic acid 37 with alanine.
Molecular consequence: missense variant. On other transcripts: non-coding transcript variant (1).
Genome position (GRCh38, 1-based): chr20:58,418,262, A>C. VCF-style: chr20-58418262-A-C. GRCh37 (hg19) VCF-style: chr20-56993318-A-C.
Other names: c.110A>C, p.Asp37Ala (NM_001195677.2); short protein forms D37A.
Identifiers: ClinVar variation 1409748 (VCV001409748.8), dbSNP rs755474083, ClinGen allele CA9924173.

ClinVar aggregate classification (germline): Uncertain significance (1 of 4 stars; one submission).

Conditions:
Adult-onset proximal spinal muscular atrophy, autosomal dominant. Also called: FINKEL LATE-ADULT TYPE SMA; Spinal muscular atrophy, late-onset, finkel type. Identifiers: Orphanet 209335, MedGen C1854058, MONDO:0008453, OMIM 182980.
Amyotrophic lateral sclerosis type 8 (ALS8). Identifiers: Orphanet 803, MedGen C1837728, MONDO:0012077, OMIM 608627.

Allele frequency attached by ClinVar (database versions not stated): gnomAD exomes below 0.00001 and 0.00001; ExAC 0.00001.
gnomAD v4.1: 13 of 1,614,098 alleles (0.00081%); highest among the groups gnomAD compares: Non-Finnish European, 0.0011%; no homozygotes.

Submission:

Labcorp Genetics (formerly Invitae), Labcorp
Classification: Uncertain significance for Adult-onset proximal spinal muscular atrophy, autosomal dominant; Amyotrophic lateral sclerosis type 8. Last evaluated: 2024-08-11. Review status: criteria provided, single submitter. Criteria: Invitae Variant Classification Sherloc (09022015). Collection method: clinical testing. Allele origin: germline.
Comment: This sequence change replaces aspartic acid, which is acidic and polar, with alanine, which is neutral and non-polar, at codon 37 of the VAPB protein (p.Asp37Ala). This variant is present in population databases (rs755474083, gnomAD 0.0009%). This variant has not been reported in the literature in individuals affected with VAPB-related conditions. ClinVar contains an entry for this variant (Variation ID: 1409748). Advanced modeling of protein sequence and biophysical properties (such as structural, functional, and spatial information, amino acid conservation, physicochemical variation, residue mobility, and thermodynamic stability) performed at Invitae indicates that this missense variant is not expected to disrupt VAPB protein function with a negative predictive value of 80%. In summary, the available evidence is currently insufficient to determine the role of this variant in disease. Therefore, it has been classified as a Variant of Uncertain Significance.